The following is an entry in ClinVar:

NM_001148.6(ANK2):c.961C>T (p.Arg321Trp)

Gene: ANK2 (ankyrin 2; plus strand). Cytogenetic location: 4q26.
Variant type: single nucleotide variant.
Coding change: c.961C>T on transcript NM_001148.6 (MANE Select); coding-DNA position 961, C replaced by T.
Protein change: p.Arg321Trp; replaces arginine 321 with tryptophan.
Molecular consequence: missense variant.
Genome position (GRCh38, 1-based): chr4:113,249,833, C>T. VCF-style: chr4-113249833-C-T. GRCh37 (hg19) VCF-style: chr4-114170989-C-T.
Other names: p.R321W:CGG>TGG; c.1006C>T, p.Arg336Trp (NM_001354237.2, NM_001354240.2, NM_001354241.2 and 5 more transcripts); c.898C>T, p.Arg300Trp (NM_001354239.2, NM_001354243.2, NM_001354244.2 and 14 more transcripts); c.961C>T, p.Arg321Trp (NM_001354245.2, NM_001354246.2, NM_001354265.2 and 9 more transcripts); c.874C>T, p.Arg292Trp (NM_001354249.2, NM_001354264.2, NM_001354266.2 and 16 more transcripts); c.949C>T, p.Arg317Trp (NM_001354269.3, NM_001386148.2, NM_001386186.2); c.919C>T, p.Arg307Trp (NM_001386147.1, NM_001354261.2, NM_001386160.1); c.1012C>T, p.Arg338Trp (NM_001386174.1); and 2 more; short protein forms R300W, R321W, R317W, R336W, R307W, R292W, R309W, R330W.
Identifiers: ClinVar variation 190539 (VCV000190539.13), dbSNP rs753032598, ClinGen allele CA300760.

ClinVar aggregate classification (germline): Uncertain significance. Review status: criteria provided, multiple submitters, no conflicts (2 of 4 stars). 5 submissions from 5 submitters: Uncertain significance (5). Last evaluated 2026-03-23.

Conditions:
Cardiovascular phenotype. Identifiers: MedGen CN230736.
Brugada syndrome. Also called: Sudden unexpected nocturnal death syndrome; Sudden unexplained nocturnal death syndrome; Sudden Unexplained Death Syndrome; Sudden Unexplained Nocturnal Death Syndrome (SUNDS). Identifiers: Orphanet 130, MedGen C1142166, MONDO:0015263.
Long QT syndrome (LQTS). Identifiers: MedGen C0023976, MeSH D008133, MONDO:0002442. Disease mechanism: loss of function. Inheritance: Various modes of inheritance.

Allele frequency attached by ClinVar (database versions not stated): gnomAD 0.00010 and 0.00009; ExAC 0.00003; TOPMed 0.00008.
gnomAD v4.1: 102 of 1,614,016 alleles (0.0063%); highest among the groups gnomAD compares: African/African-American, 0.019%; 1 homozygote.

Submissions (5):

Dasa
Classification: Uncertain significance. Last evaluated: 2026-03-23. Review status: criteria provided, single submitter. Criteria: DASA Assertion Criteria. Collection method: clinical testing. Allele origin: germline.
Comment: NM_001148.6(ANK2):c.961C>T (p.Arg321Trp) is a missense variant that results in the substitution of arginine with tryptophan. This variant is rare in population databases. The currently available literature and clinical evidence are not sufficient to establish a definitive association between this variant and the reported condition. Therefore, this variant is classified as a variant of uncertain significance.

Labcorp Genetics (formerly Invitae), Labcorp
Classification: Uncertain significance for Long QT syndrome. Last evaluated: 2026-01-14. Review status: criteria provided, single submitter. Criteria: Invitae Variant Classification Sherloc (09022015). Collection method: clinical testing. Allele origin: germline.
Comment: This sequence change replaces arginine, which is basic and polar, with tryptophan, which is neutral and slightly polar, at codon 321 of the ANK2 protein (p.Arg321Trp). This variant is present in population databases (rs753032598, gnomAD 0.02%). This missense change has been observed in individual(s) with clinical features of ANK2-related conditions (PMID: 28855170, 30847666, 32600061). ClinVar contains an entry for this variant (Variation ID: 190539). Invitae Evidence Modeling of protein sequence and biophysical properties (such as structural, functional, and spatial information, amino acid conservation, physicochemical variation, residue mobility, and thermodynamic stability) indicates that this missense variant is not expected to disrupt ANK2 protein function with a negative predictive value of 80%. In summary, the available evidence is currently insufficient to determine the role of this variant in disease. Therefore, it has been classified as a Variant of Uncertain Significance.

GeneDx
Classification: Uncertain significance. Last evaluated: 2024-04-04. Review status: criteria provided, single submitter. Criteria: GeneDx Variant Classification Process June 2021. Collection method: clinical testing. Allele origin: germline. Affected: yes.
Comment: Identified in patients with cardiomyopathy and arrhythmia referred for genetic testing at GeneDx and in published literature (PMID: 28855170, 30847666, 32600061); Identified in a cohort of patients with neurodevelopmental disorders (NDDs) in published literature (PMID: 33004838); In silico analysis supports that this missense variant has a deleterious effect on protein structure/function; This variant is associated with the following publications: (PMID: 30847666, 28855170, 32600061, 33004838)

Department of Pathology and Laboratory Medicine, Sinai Health System
Classification: Uncertain significance for Brugada syndrome. Last evaluated: 2022-03-16. Review status: criteria provided, single submitter. Criteria: ACMG Guidelines, 2015. Collection method: research. Allele origin: germline.

Ambry Genetics
Classification: Uncertain significance for Cardiovascular phenotype. Last evaluated: 2021-06-24. Review status: criteria provided, single submitter. Criteria: Ambry Variant Classification Scheme 2023. Collection method: clinical testing. Allele origin: germline.
Comment: The p.R321W variant (also known as c.961C>T), located in coding exon 10 of the ANK2 gene, results from a C to T substitution at nucleotide position 961. The arginine at codon 321 is replaced by tryptophan, an amino acid with dissimilar properties. This variant was detected in a left ventricular non-compaction (LVNC) cohort and in a arrhythmia genetic testing cohort; however, clinical details were limited (Wang C et al. J Am Heart Assoc, 2017 Aug;6; van Lint FHM et al. Neth Heart J, 2019 Jun;27:304-309). This amino acid position is highly conserved in available vertebrate species. In addition, this alteration is predicted to be deleterious by in silico analysis. Since supporting evidence is limited at this time, the clinical significance of this alteration remains unclear.

Literature cited by the submitters: PubMed 28855170 (cited by Labcorp Genetics (formerly Invitae), Labcorp and Ambry Genetics); PubMed 30847666 (cited by Labcorp Genetics (formerly Invitae), Labcorp and Ambry Genetics); PubMed 32600061 (cited by Labcorp Genetics (formerly Invitae), Labcorp).